The following is an entry in ClinVar:

ClinVar aggregate classification (germline): Pathogenic/Likely pathogenic. Review status: criteria provided, multiple submitters, no conflicts (2 of 4 stars). 2 submissions from 2 submitters: Pathogenic (1); Likely pathogenic (1). Last evaluated 2025-12-31.

Conditions:
Pontocerebellar hypoplasia type 1B. Also called: EXOSC3 Pontocerebellar Hypoplasia. Identifiers: Orphanet 2254, MedGen C3553449, MONDO:0013853, OMIM 614678.

Submissions (2):

Labcorp Genetics (formerly Invitae), Labcorp
Classification: Pathogenic for Pontocerebellar hypoplasia type 1B. Last evaluated: 2025-12-31. Review status: criteria provided, single submitter. Criteria: Invitae Variant Classification Sherloc (09022015). Collection method: clinical testing. Allele origin: germline.
Comment: This sequence change creates a premature translational stop signal (p.Asp76Glyfs*49) in the EXOSC3 gene. It is expected to result in an absent or disrupted protein product. Loss-of-function variants in EXOSC3 are known to be pathogenic (PMID: 22544365, 23284067, 24524299). This variant is not present in population databases (gnomAD no frequency). This premature translational stop signal has been observed in individual(s) with pontocerebellar hypoplasia (PMID: 23284067). ClinVar contains an entry for this variant (Variation ID: 2873713). For these reasons, this variant has been classified as Pathogenic.

Illumina Laboratory Services, Illumina
Classification: Likely pathogenic for Pontocerebellar hypoplasia type 1B. Last evaluated: 2018-12-12. Review status: criteria provided, single submitter. Criteria: ICSLVariantClassificationCriteria RUGD 01 April 2020. Collection method: clinical testing. Allele origin: unknown.
Comment: The EXOSC3 c.226dupG p.(Asp76GlyfsTer49) variant causes a shift in the protein reading frame that is predicted to result in premature termination of the protein. Loss of normal protein function through either protein truncation or nonsense-mediated mRNA decay is expected. This variant was identified in trans with a pathogenic variant in an individual with a phenotype consistent with pontocerebellar hypoplasia (Rudnik-Schöneborn et al. 2013). The highest frequency of this allele in the Genome Aggregation Database is 0.000048 in the Remaining population (version 4.0.0). Based on the evidence, the c.226dupG p.(Asp76GlyfsTer49) variant is classified as likely pathogenic for pontocerebellar hypoplasia.

Literature cited by the submitters: PubMed 22544365 (cited by Labcorp Genetics (formerly Invitae), Labcorp); PubMed 23284067 (cited by Labcorp Genetics (formerly Invitae), Labcorp); PubMed 24524299 (cited by Labcorp Genetics (formerly Invitae), Labcorp).

NM_016042.4(EXOSC3):c.226dup (p.Asp76fs)

Gene: EXOSC3 (exosome component 3; minus strand). Cytogenetic location: 9p13.2.
Variant type: Duplication.
Coding change: c.226dup on transcript NM_016042.4 (MANE Select); coding-DNA position 226, one base duplicated (G; older notation c.226dupG).
Protein change: p.Asp76fs; shifts the reading frame from aspartic acid 76.
Molecular consequence: frameshift variant.
Genome position (GRCh38, 1-based): chr9:37,784,819, C duplicated on the plus strand (G on the coding strand, the reverse complement: EXOSC3 is on the minus strand); the first of 4 consecutive C bases (chr9:37,784,819-37,784,822); duplicating any one gives the same sequence. VCF-style (leftmost placement, unchanged base first): chr9-37784818-T-TC. GRCh37 (hg19) VCF-style: chr9-37784815-T-TC.
Other names: c.226dup, p.Asp76fs (NM_001002269.2); short protein forms D76fs.
Identifiers: ClinVar variation 2873713 (VCV002873713.4), dbSNP rs777100034, ClinGen allele CA192953943.